The following is an entry in ClinVar:

NM_006767.4(LZTR1):c.162G>T (p.Trp54Cys)

Gene: LZTR1 (leucine zipper like post translational regulator 1; plus strand). Cytogenetic location: 22q11.21.
Variant type: single nucleotide variant.
Coding change: c.162G>T on transcript NM_006767.4 (MANE Select); coding-DNA position 162, G replaced by T.
Protein change: p.Trp54Cys; replaces tryptophan 54 with cysteine.
Molecular consequence: missense variant.
Genome position (GRCh38, 1-based): chr22:20,982,533, G>T. VCF-style: chr22-20982533-G-T. GRCh37 (hg19) VCF-style: chr22-21336822-G-T.
Other names: short protein forms W54C.
Identifiers: ClinVar variation 4811140 (VCV004811140.1).

ClinVar aggregate classification (germline): Uncertain significance (1 of 4 stars; one submission).

Submission:

Labcorp Genetics (formerly Invitae), Labcorp
Classification: Uncertain significance. Last evaluated: 2025-05-13. Review status: criteria provided, single submitter. Criteria: Invitae Variant Classification Sherloc (09022015). Collection method: clinical testing. Allele origin: germline.
Comment: This sequence change replaces tryptophan, which is neutral and slightly polar, with cysteine, which is neutral and slightly polar, at codon 54 of the LZTR1 protein (p.Trp54Cys). This variant is not present in population databases (gnomAD no frequency). This variant has not been reported in the literature in individuals affected with LZTR1-related conditions. Invitae Evidence Modeling of protein sequence and biophysical properties (such as structural, functional, and spatial information, amino acid conservation, physicochemical variation, residue mobility, and thermodynamic stability) indicates that this missense variant is not expected to disrupt LZTR1 protein function with a negative predictive value of 80%. In summary, the available evidence is currently insufficient to determine the role of this variant in disease. Therefore, it has been classified as a Variant of Uncertain Significance.